The following is an entry in ClinVar:

ClinVar aggregate classification (germline): Pathogenic (1 of 4 stars; one submission).

Conditions:
Autosomal recessive limb-girdle muscular dystrophy type R18 (LGMDR18). Also called: Limb-girdle muscular dystrophy, type 2S; MUSCULAR DYSTROPHY, LIMB-GIRDLE, AUTOSOMAL RECESSIVE 18; Autosomal recessive limb-girdle muscular dystrophy type 2S. Identifiers: Orphanet 369840, MedGen C4517996, MONDO:0014144, OMIM 615356.

Submission:

Labcorp Genetics (formerly Invitae), Labcorp
Classification: Pathogenic for Autosomal recessive limb-girdle muscular dystrophy type R18. Last evaluated: 2023-09-05. Review status: criteria provided, single submitter. Criteria: Invitae Variant Classification Sherloc (09022015). Collection method: clinical testing. Allele origin: unknown.
Comment: For these reasons, this variant has been classified as Pathogenic. This variant results in the deletion of part of exon 23 and exons 24-27 (c.2538_3056-463del) of the TRAPPC11 gene. It is expected to disrupt RNA splicing. Variants that disrupt the donor or acceptor splice site typically lead to a loss of protein function (PMID: 16199547), and loss-of-function variants in TRAPPC11 are known to be pathogenic (PMID: 23830518, 26322222). This variant has not been reported in the literature in individuals affected with TRAPPC11-related conditions. This variant disrupts a region of the TRAPPC11 protein in which other variant(s) (p.Gly980Arg) have been determined to be pathogenic (PMID: 23830518, 26322222, 26912795; Invitae). This suggests that this is a clinically significant region of the protein, and that variants that disrupt it are likely to be disease-causing.

Literature cited by the submitters: PubMed 16199547; PubMed 23830518; PubMed 26322222; PubMed 26912795.

NC_000004.11:g.(?_184615786)_(184627497_?)del

Gene: TRAPPC11 (trafficking protein particle complex subunit 11; plus strand). Cytogenetic location: 4q35.1.
Variant type: Deletion.
Identifiers: ClinVar variation 3246687 (VCV003246687.1).